The following is an entry in ClinVar:

NM_001453.3(FOXC1):c.141C>G (p.Tyr47Ter)

Gene: FOXC1 (forkhead box C1; plus strand). Cytogenetic location: 6p25.3.
Variant type: single nucleotide variant.
Coding change: c.141C>G on transcript NM_001453.3 (MANE Select); coding-DNA position 141, C replaced by G.
Protein change: p.Tyr47Ter; replaces tyrosine 47 with a stop codon.
Molecular consequence: nonsense.
Genome position (GRCh38, 1-based): chr6:1,610,586, C>G. VCF-style: chr6-1610586-C-G. GRCh37 (hg19) VCF-style: chr6-1610821-C-G.
Other names: short protein forms Y47*.
Identifiers: ClinVar variation 100687 (VCV000100687.17), dbSNP rs372857241, ClinGen allele CA248381.
Genomic context (GRCh38, chr6:1,610,586, plus strand): 5'-CGCGGCGGCCGCGGCGGCCGGGGGCGGCTACACCGCCATGCCGGCCCCCATGAGCGTGTA[C>G]TCGCACCCTGCGCACGCCGAGCAGTACCCGGGCGGCATGGCCCGCGCCTACGGGCCCTAC-3'

ClinVar aggregate classification (germline): Pathogenic/Likely pathogenic. Review status: criteria provided, multiple submitters, no conflicts (2 of 4 stars). 4 submissions from 4 submitters: Pathogenic (1); Likely pathogenic (2). 1 of the submissions does not count toward it. Last evaluated 2026-01-11.

Conditions:
Axenfeld-Rieger syndrome type 3 (RIEG3). Also called: AXENFELD-RIEGER ANOMALY WITH CARDIAC DEFECTS AND/OR SENSORINEURAL HEARING LOSS. Identifiers: Orphanet 782, MedGen C2678503, MONDO:0011233, OMIM 602482.
Anterior segment dysgenesis 3 (ASGD3). Also called: IRIDOGONIODYSGENESIS ANOMALY, AUTOSOMAL DOMINANT; Glaucoma iridogoniodysplasia, familial. Identifiers: Orphanet 91483, MedGen C5975707, MONDO:0024456, OMIM 601631.

Submissions (4):

Labcorp Genetics (formerly Invitae), Labcorp
Classification: Pathogenic for Axenfeld-Rieger syndrome type 3. Last evaluated: 2026-01-11. Review status: criteria provided, single submitter. Criteria: Invitae Variant Classification Sherloc (09022015). Collection method: clinical testing. Allele origin: germline.
Comment: This sequence change creates a premature translational stop signal (p.Tyr47*) in the FOXC1 gene. While this is not anticipated to result in nonsense mediated decay, it is expected to disrupt the last 507 amino acid(s) of the FOXC1 protein. This variant is not present in population databases (gnomAD no frequency). This premature translational stop signal has been observed in individual(s) with congenital glaucoma and her mother, who had juvenile open-angle glaucoma (PMID: 25786029). ClinVar contains an entry for this variant (Variation ID: 100687). Algorithms developed to predict the effect of variants on gene product structure and function are not available or were not evaluated for this variant. Experimental studies are conflicting or provide insufficient evidence to determine the effect of this variant on FOXC1 function (PMID: 25786029). This variant disrupts a region of the FOXC1 protein in which other variant(s) (p.Ser320Argfs*81, p.Gln120*) have been determined to be pathogenic (PMID: 11782474, 16638984, 18498376, 20881294; internal data). This suggests that this is a clinically significant region of the protein, and that variants that disrupt it are likely to be disease-causing. For these reasons, this variant has been classified as Pathogenic.

CeGaT Center for Human Genetics Tuebingen
Classification: Likely pathogenic. Last evaluated: 2025-09-01. Review status: criteria provided, single submitter. Criteria: CeGaT Center For Human Genetics Tuebingen Variant Classification Criteria Version 2. Collection method: clinical testing. Allele origin: germline. Affected: yes. Observed: 1 variant allele.
Comment: FOXC1: PVS1:Strong, PM2, PS4:Supporting

Fulgent Genetics
Classification: Likely pathogenic for Anterior segment dysgenesis 3; Axenfeld-Rieger syndrome type 3. Last evaluated: 2024-04-05. Review status: criteria provided, single submitter. Criteria: ACMG Guidelines, 2015. Collection method: clinical testing. Allele origin: germline.

Human Genetics School of Medicine of Albacete, Castilla-La Mancha University
Classification: Pathogenic. Review status: no assertion criteria provided. Collection method: not provided. Allele origin: inherited. Not counted in ClinVar's aggregate classification.
Comment: Late-onset Primary Congenital Glaucoma/Juvenile Open Angle Glaucoma
ClinVar note: Converted during submission from pathogenic to Pathogenic.

Literature cited by the submitters: PubMed 25786029 (cited by Labcorp Genetics (formerly Invitae), Labcorp); PubMed 11782474 (cited by Labcorp Genetics (formerly Invitae), Labcorp); PubMed 16638984 (cited by Labcorp Genetics (formerly Invitae), Labcorp); PubMed 18498376 (cited by Labcorp Genetics (formerly Invitae), Labcorp); PubMed 20881294 (cited by Labcorp Genetics (formerly Invitae), Labcorp).